The following is an entry in ClinVar:

ClinVar aggregate classification (germline): Uncertain significance (1 of 4 stars; one submission).

Submission:

GeneDx
Classification: Uncertain significance. Last evaluated: 2023-11-21. Review status: criteria provided, single submitter. Criteria: GeneDx Variant Classification Process June 2021. Collection method: clinical testing. Allele origin: germline. Affected: yes.
Comment: Has not been previously published as pathogenic or benign to our knowledge; Not observed at significant frequency in large population cohorts (gnomAD); In silico analysis supports that this missense variant does not alter protein structure/function

NM_021956.5(GRIK2):c.2565G>T (p.Arg855Ser)

Gene: GRIK2 (glutamate ionotropic receptor kainate type subunit 2; plus strand). Cytogenetic location: 6q16.3.
Variant type: single nucleotide variant.
Coding change: c.2565G>T on transcript NM_021956.5 (MANE Select); coding-DNA position 2565, G replaced by T.
Protein change: p.Arg855Ser; replaces arginine 855 with serine.
Molecular consequence: missense variant. On other transcripts: 3 prime UTR variant (2).
Genome position (GRCh38, 1-based): chr6:102,068,349, G>T. VCF-style: chr6-102068349-G-T. GRCh37 (hg19) VCF-style: chr6-102516224-G-T.
Other names: c.*18G>T (NM_001166247.1); c.*42G>T (NM_175768.3); short protein forms R855S.
Identifiers: ClinVar variation 3364586 (VCV003364586.1).